The following is an entry in ClinVar:

ClinVar aggregate classification (germline): Uncertain significance (1 of 4 stars; one submission).

gnomAD v4.1: 4 of 1,211,636 alleles (0.00033%); highest among the groups gnomAD compares: Non-Finnish European, 0.00045%; no homozygotes.

Submission:

GeneDx
Classification: Uncertain significance. Last evaluated: 2024-01-17. Review status: criteria provided, single submitter. Criteria: GeneDx Variant Classification Process June 2021. Collection method: clinical testing. Allele origin: germline. Affected: yes.
Comment: Has not been previously published as pathogenic or benign to our knowledge; In silico analysis is inconclusive as to whether the variant alters gene splicing. In the absence of RNA/functional studies, the actual effect of this sequence change is unknown.

NM_005120.3(MED12):c.1102-11C>A

Gene: MED12 (mediator complex subunit 12; plus strand). Cytogenetic location: Xq13.1.
Variant type: single nucleotide variant.
Coding change: c.1102-11C>A on transcript NM_005120.3 (MANE Select); 11 bases into the intron before coding-DNA position 1102, C replaced by A.
Molecular consequence: intron variant.
Genome position (GRCh38, 1-based): chrX:71,122,189, C>A. VCF-style: chrX-71122189-C-A. GRCh37 (hg19) VCF-style: chrX-70342039-C-A.
Identifiers: ClinVar variation 3367980 (VCV003367980.1).
Genomic context (GRCh38, chrX:71,122,189, plus strand): 5'-GGGTCTTAGAATGGGATTCCAGAGGGGTAACCATGGTGAATGAGTTGGACTTAGCTGTTT[C>A]TATCTGGTAGACCATCCTCCTGTGCTGTCCTAGTGCCTTGGTTTGGCACTACTCACTGAC-3'